The following is an entry in ClinVar:

NM_000432.4(MYL2):c.243G>T (p.Val81=)

Gene: MYL2 (myosin light chain 2; minus strand). Cytogenetic location: 12q24.11.
Variant type: single nucleotide variant.
Coding change: c.243G>T on transcript NM_000432.4 (MANE Select); coding-DNA position 243, G replaced by T.
Protein change: p.Val81=; no amino-acid change (valine 81 retained).
Molecular consequence: synonymous variant.
Genome position (GRCh38, 1-based): chr12:110,914,217, C>A on the plus strand (G>T on the coding strand, the complement: MYL2 is on the minus strand). VCF-style: chr12-110914217-C-A. GRCh37 (hg19) VCF-style: chr12-111352021-C-A.
Identifiers: ClinVar variation 43460 (VCV000043460.55), dbSNP rs368851472, ClinGen allele CA009955.

ClinVar aggregate classification (germline): Benign/Likely benign. Review status: criteria provided, multiple submitters, no conflicts (2 of 4 stars). 11 submissions from 11 submitters: Benign (4); Likely benign (6). 1 of the submissions does not count toward it. Last evaluated 2026-01-07.

Conditions:
MYL2-related disorder. Also called: MYL2-related condition; MYL2-related disease; MYL2-related disorders.
Cardiovascular phenotype. Identifiers: MedGen CN230736.
Cardiomyopathy (CMYO). Also called: Cardiomyopathies. Identifiers: Orphanet 167848, MedGen C0878544, MONDO:0004994, HP:0001638. Inheritance: Various modes of inheritance.
Hypertrophic cardiomyopathy 10. Also called: MYL2-Related Familial Hypertrophic Cardiomyopathy; CARDIOMYOPATHY, HYPERTROPHIC, MID-LEFT VENTRICULAR CHAMBER TYPE, 2. Identifiers: MedGen C1834460, MONDO:0012112, OMIM 608758.
Hypertrophic cardiomyopathy. Also called: HYPERTROPHIC MYOCARDIOPATHY. Identifiers: Orphanet 217569, MedGen C0007194, MeSH D002312, MONDO:0005045, HP:0001639.

Allele frequency attached by ClinVar (database versions not stated): ESP Exome Variant Server 0.00008; gnomAD 0.00015 and 0.00020; TOPMed 0.00016; gnomAD exomes 0.00020 and 0.00033; ExAC 0.00032; 1000 Genomes Project 30x 0.00047; 1000 Genomes Project 0.00060.
gnomAD v4.1: 313 of 1,613,994 alleles (0.019%); highest among the groups gnomAD compares: South Asian, 0.2%; no homozygotes.

Submissions (11):

Labcorp Genetics (formerly Invitae), Labcorp
Classification: Benign for Hypertrophic cardiomyopathy 10. Last evaluated: 2026-01-07. Review status: criteria provided, single submitter. Criteria: Invitae Variant Classification Sherloc (09022015). Collection method: clinical testing. Allele origin: germline.

Blueprint Genetics
Classification: Likely benign. Last evaluated: 2024-08-13. Review status: criteria provided, single submitter. Criteria: ACMG Guidelines, 2015. Collection method: clinical testing. Allele origin: germline.

CeGaT Center for Human Genetics Tuebingen
Classification: Likely benign. Last evaluated: 2024-04-01. Review status: criteria provided, single submitter. Criteria: CeGaT Center For Human Genetics Tuebingen Variant Classification Criteria Version 2. Collection method: clinical testing. Allele origin: germline. Affected: yes. Observed: 4 variant alleles.
Comment: MYL2: BP4, BP7

All of Us Research Program, National Institutes of Health
Classification: Benign for Hypertrophic cardiomyopathy. Last evaluated: 2024-02-05. Review status: criteria provided, single submitter. Criteria: ACMG Guidelines, 2015. Collection method: clinical testing. Allele origin: germline. Inheritance: Autosomal dominant inheritance. Observed: 18 variant alleles, 18 heterozygotes.
Comment: This study involves interpretation of variants in research participants for the purpose of population health screening. Participant phenotype was not available at the time of variant classification. Additional details can be found in publication PMID: 35346344, PMCID: PMC8962531

Women's Health and Genetics/Laboratory Corporation of America, LabCorp
Classification: Benign. Last evaluated: 2020-12-28. Review status: criteria provided, single submitter. Criteria: LabCorp Variant Classification Summary - May 2015. Collection method: clinical testing. Allele origin: germline.

Color Diagnostics, LLC DBA Color Health
Classification: Benign for Cardiomyopathy. Last evaluated: 2018-09-28. Review status: criteria provided, single submitter. Criteria: ACMG Guidelines, 2015. Collection method: clinical testing. Allele origin: germline.

GeneDx
Classification: Likely benign. Last evaluated: 2018-07-18. Review status: criteria provided, single submitter. Criteria: GeneDx Variant Classification Process June 2021. Collection method: clinical testing. Allele origin: germline. Affected: yes.

CHEO Genetics Diagnostic Laboratory, Children's Hospital of Eastern Ontario
Classification: Likely benign for Cardiomyopathy. Last evaluated: 2017-03-31. Review status: criteria provided, single submitter. Criteria: ACMG Guidelines, 2015. Collection method: clinical testing. Allele origin: germline. Study: Canadian Open Genetics Repository.

Ambry Genetics
Classification: Likely benign for Cardiovascular phenotype. Last evaluated: 2016-08-16. Review status: criteria provided, single submitter. Criteria: Ambry Variant Classification Scheme 2023. Collection method: clinical testing. Allele origin: germline.

Laboratory for Molecular Medicine, Mass General Brigham Personalized Medicine
Classification: Likely benign. Last evaluated: 2013-01-23. Review status: criteria provided, single submitter. Criteria: LMM Criteria. Collection method: clinical testing. Allele origin: germline. Observed: 2 variant alleles.
Comment: Val81Val in exon 4 of MYL2: This variant is not expected to have clinical signif icance because it does not alter an amino acid residue and is not located within the splice consensus sequence. It has been identified in 1/8600 European Americ an chromosomes from a broad population by the NHLBI Exome Sequencing Project. Val81Val in exon 4 of MYL2 (allele frequency = 1/8600) **

PreventionGenetics, part of Exact Sciences
Classification: Likely benign for MYL2-related condition. Last evaluated: 2020-09-03. Review status: no assertion criteria provided. Collection method: clinical testing. Allele origin: germline. Not counted in ClinVar's aggregate classification.
Comment: This variant is classified as likely benign based on ACMG/AMP sequence variant interpretation guidelines (Richards et al. 2015 PMID: 25741868, with internal and published modifications).